The following is an entry in ClinVar:

NM_001242809.2(ANKRD6):c.382A>G (p.Ile128Val)

Gene: ANKRD6 (ankyrin repeat domain 6; plus strand). Cytogenetic location: 6q15.
Variant type: single nucleotide variant.
Coding change: c.382A>G on transcript NM_001242809.2 (MANE Select); coding-DNA position 382, A replaced by G.
Protein change: p.Ile128Val; replaces isoleucine 128 with valine.
Molecular consequence: missense variant. On other transcripts: intron variant (1).
Genome position (GRCh38, 1-based): chr6:89,606,070, A>G. VCF-style: chr6-89606070-A-G. GRCh37 (hg19) VCF-style: chr6-90315789-A-G.
Other names: c.382A>G, p.Ile128Val (NM_001242811.1, NM_001242813.1, NM_014942.4); c.318+2943A>G (NM_001242814.1); short protein forms I128V.
Identifiers: ClinVar variation 3060685 (VCV003060685.2), dbSNP rs3748085, ClinGen allele CA3921128.

ClinVar aggregate classification (germline): Benign (0 of 4 stars; one submission).

Conditions:
ANKRD6-related disorder. Also called: ANKRD6-related condition.

Allele frequency attached by ClinVar (database versions not stated): 1000 Genomes Project 30x 0.78139; 1000 Genomes Project 0.78175; TOPMed 0.80074; ESP Exome Variant Server 0.80165; gnomAD 0.80377.
gnomAD v4.1: 1,324,183 of 1,587,258 alleles (83%); highest among the groups gnomAD compares: East Asian, 93%; 555,010 homozygotes.

Submission:

PreventionGenetics, part of Exact Sciences
Classification: Benign for ANKRD6-related condition. Last evaluated: 2019-10-17. Review status: no assertion criteria provided. Collection method: clinical testing. Allele origin: germline.
Comment: This variant is classified as benign based on ACMG/AMP sequence variant interpretation guidelines (Richards et al. 2015 PMID: 25741868, with internal and published modifications).